The following is an entry in ClinVar:

ClinVar aggregate classification (germline): Uncertain significance. Review status: criteria provided, multiple submitters, no conflicts (2 of 4 stars). 2 submissions from 2 submitters: Uncertain significance (2). Last evaluated 2024-07-29.

Conditions:
Cardiovascular phenotype. Identifiers: MedGen CN230736.
Long QT syndrome (LQTS). Identifiers: MedGen C0023976, MeSH D008133, MONDO:0002442. Disease mechanism: loss of function. Inheritance: Various modes of inheritance.

Allele frequency attached by ClinVar (database versions not stated): TOPMed 0.00001.
gnomAD v4.1: 20 of 1,341,888 alleles (0.0015%); highest among the groups gnomAD compares: Non-Finnish European, 0.0019%; no homozygotes.

Submissions (2):

Ambry Genetics
Classification: Uncertain significance for Cardiovascular phenotype. Last evaluated: 2024-07-29. Review status: criteria provided, single submitter. Criteria: Ambry Variant Classification Scheme 2023. Collection method: clinical testing. Allele origin: germline.
Comment: The p.E26A variant (also known as c.77A>C), located in coding exon 1 of the SNTA1 gene, results from an A to C substitution at nucleotide position 77. The glutamic acid at codon 26 is replaced by alanine, an amino acid with dissimilar properties. This amino acid position is conserved. In addition, this alteration is predicted to be tolerated by in silico analysis. Based on the available evidence, the clinical significance of this variant remains unclear.

Labcorp Genetics (formerly Invitae), Labcorp
Classification: Uncertain significance for Long QT syndrome. Last evaluated: 2021-09-20. Review status: criteria provided, single submitter. Criteria: Invitae Variant Classification Sherloc (09022015). Collection method: clinical testing. Allele origin: germline.
Comment: This sequence change replaces glutamic acid with alanine at codon 26 of the SNTA1 protein (p.Glu26Ala). The glutamic acid residue is weakly conserved and there is a moderate physicochemical difference between glutamic acid and alanine. The frequency data for this variant in the population databases is considered unreliable, as metrics indicate insufficient coverage at this position in the ExAC database. This variant has not been reported in the literature in individuals affected with SNTA1-related conditions. Algorithms developed to predict the effect of missense changes on protein structure and function are either unavailable or do not agree on the potential impact of this missense change (SIFT: "Deleterious"; PolyPhen-2: "Benign"; Align-GVGD: "Class C0"). In summary, the available evidence is currently insufficient to determine the role of this variant in disease. Therefore, it has been classified as a Variant of Uncertain Significance.

NM_003098.3(SNTA1):c.77A>C (p.Glu26Ala)

Genes: SNTA1 (syntrophin alpha 1; minus strand), LOC130065680 (ATAC-STARR-seq lymphoblastoid silent region 12812; plus strand). Cytogenetic location: 20q11.21.
Variant type: single nucleotide variant.
Coding change: c.77A>C on transcript NM_003098.3 (MANE Select); coding-DNA position 77, A replaced by C.
Protein change: p.Glu26Ala; replaces glutamic acid 26 with alanine.
Molecular consequence: missense variant.
Genome position (GRCh38, 1-based): chr20:33,443,544, T>G on the plus strand (A>C on the coding strand, the complement: SNTA1 is on the minus strand). VCF-style: chr20-33443544-T-G. GRCh37 (hg19) VCF-style: chr20-32031350-T-G.
Other names: c.77A>C (NM_003098.2); short protein forms E26A.
Identifiers: ClinVar variation 1485538 (VCV001485538.7), dbSNP rs1234604785, ClinGen allele CA408634618.